The following is an entry in ClinVar:

ClinVar aggregate classification (germline): Uncertain significance (1 of 4 stars; one submission).

Conditions:
Gastrointestinal stromal tumor. Also called: Gastrointestinal stroma tumor; Gastrointestinal stromal tumor, somatic. Identifiers: Orphanet 44890, MedGen C0238198, MeSH D046152, MONDO:0011719, OMIM 606764, HP:0100723.

Submission:

Labcorp Genetics (formerly Invitae), Labcorp
Classification: Uncertain significance for Gastrointestinal stromal tumor. Last evaluated: 2022-09-19. Review status: criteria provided, single submitter. Criteria: Invitae Variant Classification Sherloc (09022015). Collection method: clinical testing. Allele origin: germline.
Comment: This variant has not been reported in the literature in individuals affected with PDGFRA-related conditions. This variant is not present in population databases (gnomAD no frequency). This sequence change replaces alanine, which is neutral and non-polar, with valine, which is neutral and non-polar, at codon 612 of the PDGFRA protein (p.Ala612Val). In summary, the available evidence is currently insufficient to determine the role of this variant in disease. Therefore, it has been classified as a Variant of Uncertain Significance. Advanced modeling of protein sequence and biophysical properties (such as structural, functional, and spatial information, amino acid conservation, physicochemical variation, residue mobility, and thermodynamic stability) performed at Invitae indicates that this missense variant is not expected to disrupt PDGFRA protein function.

NM_006206.6(PDGFRA):c.1835C>T (p.Ala612Val)

Gene: PDGFRA (platelet derived growth factor receptor alpha; plus strand). Cytogenetic location: 4q12.
Variant type: single nucleotide variant.
Coding change: c.1835C>T on transcript NM_006206.6 (MANE Select); coding-DNA position 1835, C replaced by T.
Protein change: p.Ala612Val; replaces alanine 612 with valine.
Molecular consequence: missense variant.
Genome position (GRCh38, 1-based): chr4:54,277,436, C>T. VCF-style: chr4-54277436-C-T. GRCh37 (hg19) VCF-style: chr4-55143603-C-T.
Other names: c.1835C>T, p.Ala612Val (NM_001347827.2, NM_001347829.2); c.1910C>T, p.Ala637Val (NM_001347828.2); c.1874C>T, p.Ala625Val (NM_001347830.2); short protein forms A612V, A625V, A637V.
Identifiers: ClinVar variation 1719766 (VCV001719766.6), dbSNP rs2110308826, ClinGen allele CA356893428.
Genomic context (GRCh38, chr4:54,277,436, plus strand): 5'-GCCTGCCCACAGGTCGGGTCTTGGGGTCTGGAGCGTTTGGGAAGGTGGTTGAAGGAACAG[C>T]CTATGGATTAAGCCGGTCCCAACCTGTCATGAAAGTTGCAGTGAAGATGCTAAAACGTAA-3'
Protein context (NP_006197.1, residues 602-622): GAFGKVVEGT[Ala612Val]YGLSRSQPVM